The following is an entry in ClinVar:

ClinVar aggregate classification (germline): Pathogenic (1 of 4 stars; one submission).

Submission:

CeGaT Center for Human Genetics Tuebingen
Classification: Pathogenic. Last evaluated: 2024-07-01. Review status: criteria provided, single submitter. Criteria: CeGaT Center For Human Genetics Tuebingen Variant Classification Criteria Version 2. Collection method: clinical testing. Allele origin: germline. Affected: yes. Observed: 1 variant allele.
Comment: VPS13B: PVS1, PM2

NM_152564.5(VPS13B):c.11029_11030del (p.Lys3677fs)

Gene: VPS13B (vacuolar protein sorting 13 homolog B; plus strand). Cytogenetic location: 8q22.2.
Variant type: Deletion.
Coding change: c.11029_11030del on transcript NM_152564.5 (MANE Select); coding-DNA positions 11029 to 11030, 2 bases deleted (AA; older notation c.11029_11030delAA).
Protein change: p.Lys3677fs; shifts the reading frame from lysine 3677.
Molecular consequence: frameshift variant.
Genome position (GRCh38, 1-based): chr8:99,859,465-99,859,466, AA deleted; deleting any 2 consecutive bases within chr8:99,859,464-99,859,466 gives the same sequence; the c. name uses the placement nearest the transcript's 3' end. VCF-style (leftmost placement, unchanged base first): chr8-99859463-TAA-T. GRCh37 (hg19) VCF-style: chr8-100871691-TAA-T.
Other names: c.11104_11105del, p.Lys3702fs (NM_017890.5); short protein forms K3677fs, K3702fs.
Identifiers: ClinVar variation 3251233 (VCV003251233.18), dbSNP rs2492279007.